The following is an entry in ClinVar:

ClinVar aggregate classification (germline): Uncertain significance (1 of 4 stars; one submission).

Conditions:
Mitochondrial DNA depletion syndrome 9 (MTDPS9). Also called: SUCLG1-Related Mitochondrial DNA Depletion Syndrome, Encephalomyopathic Form with Methylmalonic Aciduria. Identifiers: Orphanet 17, MedGen C3151476, MONDO:0009504, OMIM 245400.

Submission:

Labcorp Genetics (formerly Invitae), Labcorp
Classification: Uncertain significance for Mitochondrial DNA depletion syndrome 9. Last evaluated: 2024-06-10. Review status: criteria provided, single submitter. Criteria: Invitae Variant Classification Sherloc (09022015). Collection method: clinical testing. Allele origin: germline.
Comment: This sequence change replaces leucine, which is neutral and non-polar, with phenylalanine, which is neutral and non-polar, at codon 5 of the SUCLG1 protein (p.Leu5Phe). This variant is not present in population databases (gnomAD no frequency). This variant has not been reported in the literature in individuals affected with SUCLG1-related conditions. Experimental studies and prediction algorithms are not available or were not evaluated, and the functional significance of this variant is currently unknown. In summary, the available evidence is currently insufficient to determine the role of this variant in disease. Therefore, it has been classified as a Variant of Uncertain Significance.

NM_003849.4(SUCLG1):c.13C>T (p.Leu5Phe)

Gene: SUCLG1 (succinate-CoA ligase GDP/ADP-forming subunit alpha; minus strand). Cytogenetic location: 2p11.2.
Variant type: single nucleotide variant.
Coding change: c.13C>T on transcript NM_003849.4 (MANE Select); coding-DNA position 13, C replaced by T.
Protein change: p.Leu5Phe; replaces leucine 5 with phenylalanine.
Molecular consequence: missense variant.
Genome position (GRCh38, 1-based): chr2:84,459,257, G>A on the plus strand (C>T on the coding strand, the complement: SUCLG1 is on the minus strand). VCF-style: chr2-84459257-G-A. GRCh37 (hg19) VCF-style: chr2-84686381-G-A.
Other names: short protein forms L5F.
Identifiers: ClinVar variation 3615162 (VCV003615162.1).